The following is an entry in ClinVar:

NM_002739.5(PRKCG):c.479G>T (p.Arg160Leu)

Gene: PRKCG (protein kinase C gamma; plus strand). Cytogenetic location: 19q13.42.
Variant type: single nucleotide variant.
Coding change: c.479G>T on transcript NM_002739.5 (MANE Select); coding-DNA position 479, G replaced by T.
Protein change: p.Arg160Leu; replaces arginine 160 with leucine.
Molecular consequence: missense variant.
Genome position (GRCh38, 1-based): chr19:53,889,967, G>T. VCF-style: chr19-53889967-G-T. GRCh37 (hg19) VCF-style: chr19-54393221-G-T.
Other names: c.479G>T, p.Arg160Leu (NM_001316329.2); c.479G>T (LRG_669t1); short protein forms R160L.
Identifiers: ClinVar variation 436422 (VCV000436422.8), dbSNP rs1555807032, ClinGen allele CA407414512.

ClinVar aggregate classification (germline): Conflicting classifications of pathogenicity. Review status: criteria provided, conflicting classifications (1 of 4 stars). 4 submissions from 4 submitters: Likely pathogenic (1); Uncertain significance (3). Last evaluated 2026-02-26.

Conditions:
PRKCG-related disorder. Also called: PRKCG-related condition.

Allele frequency attached by ClinVar (database versions not stated): TOPMed below 0.00001.

Submissions (4):

GeneDx
Classification: Uncertain significance. Last evaluated: 2026-02-26. Review status: criteria provided, single submitter. Criteria: GeneDx Variant Classification Process June 2021. Collection method: clinical testing. Allele origin: germline.
Comment: Not observed at significant frequency in large population cohorts (gnomAD); In silico analysis supports that this missense variant has a deleterious effect on protein structure/function; Has not been previously published as pathogenic or benign to our knowledge

Blueprint Genetics
Classification: Likely pathogenic for PRKCG-related disorders. Last evaluated: 2022-04-27. Review status: criteria provided, single submitter. Criteria: ACMG Guidelines, 2015. Collection method: clinical testing. Allele origin: germline. Affected: yes. Observed: 3 variant alleles.

Athena Diagnostics
Classification: Uncertain significance. Last evaluated: 2018-01-30. Review status: criteria provided, single submitter. Criteria: Athena Diagnostics Criteria. Collection method: clinical testing. Allele origin: germline.

Genetic Services Laboratory, University of Chicago
Classification: Uncertain significance. Last evaluated: 2017-04-24. Review status: criteria provided, single submitter. Criteria: ACMG Guidelines, 2015. Collection method: clinical testing. Allele origin: germline. Affected: no.